The following is an entry in ClinVar:

NM_004595.5(SMS):c.773C>T (p.Pro258Leu)

Gene: SMS (spermine synthase; plus strand). Cytogenetic location: Xp22.11.
Variant type: single nucleotide variant.
Coding change: c.773C>T on transcript NM_004595.5 (MANE Select); coding-DNA position 773, C replaced by T.
Protein change: p.Pro258Leu; replaces proline 258 with leucine.
Molecular consequence: missense variant.
Genome position (GRCh38, 1-based): chrX:21,984,326, C>T. VCF-style: chrX-21984326-C-T. GRCh37 (hg19) VCF-style: chrX-22002444-C-T.
Other names: c.614C>T, p.Pro205Leu (NM_001258423.2); short protein forms P258L, P205L.
Identifiers: ClinVar variation 1760389 (VCV001760389.2), dbSNP rs1925178295, ClinGen allele CA412570101.

ClinVar aggregate classification (germline): Uncertain significance (1 of 4 stars; one submission).

Conditions:
Inborn genetic diseases. Identifiers: MedGen C0950123, MeSH D030342.

Allele frequency attached by ClinVar (database versions not stated): gnomAD exomes below 0.00001; gnomAD 0.00001; TOPMed 0.00001.
gnomAD v4.1: 4 of 1,173,688 alleles (0.00034%); highest among the groups gnomAD compares: Admixed American, 0.0022%; no homozygotes.

Submission:

Ambry Genetics
Classification: Uncertain significance for Inborn genetic diseases. Last evaluated: 2019-05-20. Review status: criteria provided, single submitter. Criteria: Ambry Variant Classification Scheme 2023. Collection method: clinical testing. Allele origin: germline.
Comment: The p.P258L variant (also known as c.773C>T), located in coding exon 8 of the SMS gene, results from a C to T substitution at nucleotide position 773. The proline at codon 258 is replaced by leucine, an amino acid with similar properties. This amino acid position is highly conserved in available vertebrate species. In addition, the in silico prediction for this alteration is inconclusive. Since supporting evidence is limited at this time, the clinical significance of this alteration remains unclear.